The following is an entry in ClinVar:

NM_000352.6(ABCC8):c.560T>A (p.Val187Asp)

Gene: ABCC8 (ATP binding cassette subfamily C member 8; minus strand). Cytogenetic location: 11p15.1.
Variant type: single nucleotide variant.
Coding change: c.560T>A on transcript NM_000352.6 (MANE Select); coding-DNA position 560, T replaced by A.
Protein change: p.Val187Asp; replaces valine 187 with aspartic acid.
Molecular consequence: missense variant. On other transcripts: non-coding transcript variant (1).
Genome position (GRCh38, 1-based): chr11:17,463,457, A>T on the plus strand (T>A on the coding strand, the complement: ABCC8 is on the minus strand). VCF-style: chr11-17463457-A-T. GRCh37 (hg19) VCF-style: chr11-17485004-A-T.
Other names: NM_000352.6(ABCC8):c.560T>A; c.560T>A, p.Val187Asp (NM_001287174.3, NM_001351295.2, NM_001351296.2 and 1 more transcripts); c.560T>A (NM_001287174.1); short protein forms V187D.
Identifiers: ClinVar variation 9099 (VCV000009099.15), dbSNP rs137852672, ClinGen allele CA254635.

ClinVar aggregate classification (germline): Pathogenic/Likely pathogenic. Review status: criteria provided, multiple submitters, no conflicts (2 of 4 stars). 8 submissions from 8 submitters: Pathogenic (5); Likely pathogenic (1). 2 of the submissions do not count toward it. Last evaluated 2024-05-17.

Conditions:
Leucine-induced hypoglycemia (LIH). Also called: LEUCINE-SENSITIVE HYPOGLYCEMIA OF INFANCY. Identifiers: MedGen C0271714, MONDO:0009415, OMIM 240800.
Hyperinsulinemic hypoglycemia, familial, 1 (HHF1). Also called: HYPERINSULINISM, FAMILIAL, WITH PANCREATIC NESIDIOBLASTOSIS; HYPOGLYCEMIA, HYPERINSULINEMIC, OF INFANCY; Persistent Hyperinsulinemia Hypoglycemia of Infancy; Persistent hyperinsulinemic hypoglycemia of infancy; NESIDIOBLASTOSIS OF PANCREAS. Identifiers: Orphanet 276575, Orphanet 276598, MedGen C2931832, MONDO:0009734, OMIM 256450.
Diabetes mellitus, permanent neonatal 3. Also called: ABCC8-Related Permanent Neonatal Diabetes Mellitus. Identifiers: MedGen C5394303, MONDO:0030088, OMIM 618857.
Type 2 diabetes mellitus. Also called: Type II diabetes mellitus. Identifiers: MedGen C0011860, MeSH D003924, MONDO:0005148, OMIM 125853, HP:0005978.
Diabetes mellitus, transient neonatal, 2 (TNDM2). Identifiers: Orphanet 99886, MedGen C1835887, MONDO:0012480, OMIM 610374. Disease mechanism: loss of function.
ABCC8-related disorder.

Allele frequency attached by ClinVar (database versions not stated): TOPMed 0.00001; gnomAD exomes 0.00013 and 0.00015; ExAC 0.00021; gnomAD 0.00021 and 0.00022.
gnomAD v4.1: 108 of 1,605,176 alleles (0.0067%); highest among the groups gnomAD compares: Non-Finnish European, 0.00026%; no homozygotes.

Submissions (8):

Blueprint Genetics
Classification: Pathogenic for ABCC8-related disorders. Last evaluated: 2024-05-17. Review status: criteria provided, single submitter. Criteria: ACMG Guidelines, 2015. Collection method: clinical testing. Allele origin: germline. Affected: yes. Observed: 5 variant alleles.

Fulgent Genetics
Classification: Pathogenic for Type 2 diabetes mellitus; Leucine-induced hypoglycemia; Hyperinsulinemic hypoglycemia, familial, 1; Diabetes mellitus, transient neonatal, 2; Diabetes mellitus, permanent neonatal 3. Last evaluated: 2024-04-05. Review status: criteria provided, single submitter. Criteria: ACMG Guidelines, 2015. Collection method: clinical testing. Allele origin: germline.

Broad Center for Mendelian Genomics, Broad Institute of MIT and Harvard
Classification: Pathogenic for Hyperinsulinemic hypoglycemia, familial, 1. Last evaluated: 2023-08-16. Review status: criteria provided, single submitter. Criteria: ACMG Guidelines, 2015. Collection method: curation. Allele origin: germline. Inheritance: Autosomal recessive inheritance.
Comment: The p.Val187Asp variant in ABCC8 has been reported in >10 individuals with hyperinsulinemic hypoglycemia (PMID: 10334322, 16380471, 12364426, 19475716), and has been identified in 0.2% (42/23698) of European (Finnish) chromosomes by the Genome Aggregation Database (gnomAD; dbSNP rs137852672). Although this variant has been seen in the general population in a heterozygous state, its frequency is not high enough to rule out a pathogenic role. This variant has also been reported in ClinVar (Variation ID: 9099) and has been interpreted as pathogenic by Counsyl, OMIM, Women's Health and Genetics/Laboratory Corporation of America (LabCorp), and Eurofins NTD LLC (GA). Of the many affected individuals, at least 4 were compound heterozygotes that carried a reported pathogenic variant in trans, which increases the likelihood that the p.Val187Asp variant is pathogenic (PMID: 16380471). In vitro functional studies provide some evidence that the p.Val187Asp variant may slightly impact protein function (PMID: 10334322). However, these types of assays may not accurately represent biological function. Computational prediction tools and conservation analyses suggest that this variant may impact the protein, though this information is not predictive enough to determine pathogenicity. In summary, this variant meets criteria to be classified as pathogenic for autosomal recessive hyperinsulinemic hypoglycemia. ACMG/AMP Criteria applied: PM3_very_strong, PP3, PS3_supporting (Richards 2015).

Baylor Genetics
Classification: Likely pathogenic for Type 2 diabetes mellitus. Last evaluated: 2023-05-18. Review status: criteria provided, single submitter. Criteria: ACMG Guidelines, 2015. Collection method: clinical testing. Allele origin: unknown.

Women's Health and Genetics/Laboratory Corporation of America, LabCorp
Classification: Pathogenic for Hyperinsulinemic hypoglycemia, familial, 1. Last evaluated: 2020-03-09. Review status: criteria provided, single submitter. Criteria: LabCorp Variant Classification Summary - May 2015. Collection method: clinical testing. Allele origin: germline.
Comment: Variant summary: ABCC8 c.560T>A (p.Val187Asp) results in a non-conservative amino acid change in the encoded protein sequence. Four of five in-silico tools predict a damaging effect of the variant on protein function. The variant allele was found at a frequency of 0.00015 in 235200 control chromosomes (gnomAD). This frequency is not higher than expected for a pathogenic variant in ABCC8 causing Congenital Hyperinsulinism (0.00015 vs 0.0034), allowing no conclusion about variant significance. c.560T>A has been reported in the literature in multiple families affected with Congenital Hyperinsulinism (Otonkoski_1999, Henquin_2011). At least one publication has reported the variant to result in non-functional channel (Otonkoski_1999). One clinical diagnostic laboratory has submitted clinical-significance assessments for this variant to ClinVar after 2014 without evidence for independent evaluation and classified the variant as pathogenic. Based on the evidence outlined above, the variant was classified as pathogenic.

Eurofins Ntd Llc (ga)
Classification: Pathogenic. Last evaluated: 2014-06-13. Review status: criteria provided, single submitter. Criteria: EGL Classification Definitions 2015. Collection method: clinical testing. Allele origin: germline.

Counsyl
Classification: Pathogenic for Hyperinsulinemic hypoglycemia, familial, 1. Last evaluated: 2016-02-19. Review status: no assertion criteria provided. Collection method: clinical testing. Allele origin: unknown. Not counted in ClinVar's aggregate classification.

OMIM
Classification: Pathogenic for HYPERINSULINEMIC HYPOGLYCEMIA, FAMILIAL, 1. Last evaluated: 1999-02-01. Review status: no assertion criteria provided. Collection method: literature only. Allele origin: germline. Not counted in ClinVar's aggregate classification.

Literature cited by the submitters: PubMed 10334322 (cited by Women's Health and Genetics/Laboratory Corporation of America, LabCorp and OMIM); PubMed 21968111 (cited by Women's Health and Genetics/Laboratory Corporation of America, LabCorp).